The following is an entry in ClinVar:

NM_152296.5(ATP1A3):c.893T>C (p.Ile298Thr)

Gene: ATP1A3 (ATPase Na+/K+ transporting subunit alpha 3; minus strand). Cytogenetic location: 19q13.2.
Variant type: single nucleotide variant.
Coding change: c.893T>C on transcript NM_152296.5 (MANE Select); coding-DNA position 893, T replaced by C.
Protein change: p.Ile298Thr; replaces isoleucine 298 with threonine.
Molecular consequence: missense variant.
Genome position (GRCh38, 1-based): chr19:41,985,018, A>G on the plus strand (T>C on the coding strand, the complement: ATP1A3 is on the minus strand). VCF-style: chr19-41985018-A-G. GRCh37 (hg19) VCF-style: chr19-42489170-A-G.
Other names: c.926T>C, p.Ile309Thr (NM_001256213.2); c.932T>C, p.Ile311Thr (NM_001256214.2); short protein forms I298T, I309T, I311T.
Identifiers: ClinVar variation 1011489 (VCV001011489.8), dbSNP rs2075272973, ClinGen allele CA406052583.

ClinVar aggregate classification (germline): Uncertain significance (1 of 4 stars; one submission).

Conditions:
Dystonia 12 (DYT12). Also called: Rapid-Onset Dystonia-Parkinsonism (RDP); DYT-ATP1A3. Identifiers: Orphanet 71517, MedGen C1868681, MONDO:0007496, OMIM 128235.

Submission:

Labcorp Genetics (formerly Invitae), Labcorp
Classification: Uncertain significance for Dystonia 12. Last evaluated: 2020-03-23. Review status: criteria provided, single submitter. Criteria: Invitae Variant Classification Sherloc (09022015). Collection method: clinical testing. Allele origin: germline.
Comment: In summary, the available evidence is currently insufficient to determine the role of this variant in disease. Therefore, it has been classified as a Variant of Uncertain Significance. Algorithms developed to predict the effect of missense changes on protein structure and function are either unavailable or do not agree on the potential impact of this missense change (SIFT: "Deleterious"; PolyPhen-2: "Benign"; Align-GVGD: "Class C0"). This variant has not been reported in the literature in individuals with ATP1A3-related conditions. This variant is not present in population databases (ExAC no frequency). This sequence change replaces isoleucine with threonine at codon 298 of the ATP1A3 protein (p.Ile298Thr). The isoleucine residue is moderately conserved and there is a moderate physicochemical difference between isoleucine and threonine.